The following is an entry in ClinVar:

NM_024598.4(USB1):c.104A>C (p.Gln35Pro)

Gene: USB1 (U6 snRNA biogenesis phosphodiesterase 1; plus strand). Cytogenetic location: 16q21.
Variant type: single nucleotide variant.
Coding change: c.104A>C on transcript NM_024598.4 (MANE Select); coding-DNA position 104, A replaced by C.
Protein change: p.Gln35Pro; replaces glutamine 35 with proline.
Molecular consequence: missense variant. On other transcripts: 5 prime UTR variant (1).
Genome position (GRCh38, 1-based): chr16:58,002,484, A>C. VCF-style: chr16-58002484-A-C. GRCh37 (hg19) VCF-style: chr16-58036388-A-C.
Other names: c.104A>C, p.Gln35Pro (NM_001195302.2, NM_001204911.2, NM_001330569.2); c.-50A>C (NM_001330568.2); c.104A>C (NM_024598.3); short protein forms Q35P.
Identifiers: ClinVar variation 1381298 (VCV001381298.7), dbSNP rs762585706, ClinGen allele CA8084806.

ClinVar aggregate classification (germline): Uncertain significance. Review status: criteria provided, multiple submitters, no conflicts (2 of 4 stars). 2 submissions from 2 submitters: Uncertain significance (2). Last evaluated 2024-12-01.

Conditions:
Inborn genetic diseases. Identifiers: MedGen C0950123, MeSH D030342.

Allele frequency attached by ClinVar (database versions not stated): gnomAD exomes below 0.00001; TOPMed below 0.00001; ExAC 0.00001.
gnomAD v4.1: 2 of 1,614,026 alleles (0.00012%); highest among the groups gnomAD compares: Non-Finnish European, 0.00017%; no homozygotes.

Submissions (2):

Ambry Genetics
Classification: Uncertain significance for Inborn genetic diseases. Last evaluated: 2024-12-01. Review status: criteria provided, single submitter. Criteria: Ambry Variant Classification Scheme 2023. Collection method: clinical testing. Allele origin: germline.
Comment: The p.Q35P variant (also known as c.104A>C), located in coding exon 2 of the USB1 gene, results from an A to C substitution at nucleotide position 104. The glutamine at codon 35 is replaced by proline, an amino acid with similar properties. This amino acid position is conserved. In addition, this alteration is predicted to be tolerated by in silico analysis. Based on the available evidence, the clinical significance of this variant remains unclear.

Labcorp Genetics (formerly Invitae), Labcorp
Classification: Uncertain significance. Last evaluated: 2022-12-06. Review status: criteria provided, single submitter. Criteria: Invitae Variant Classification Sherloc (09022015). Collection method: clinical testing. Allele origin: germline.
Comment: This sequence change replaces glutamine with proline at codon 35 of the USB1 protein (p.Gln35Pro). The glutamine residue is weakly conserved and there is a moderate physicochemical difference between glutamine and proline. In summary, the available evidence is currently insufficient to determine the role of this variant in disease. Therefore, it has been classified as a Variant of Uncertain Significance. Advanced modeling of protein sequence and biophysical properties (such as structural, functional, and spatial information, amino acid conservation, physicochemical variation, residue mobility, and thermodynamic stability) performed at Invitae indicates that this missense variant is not expected to disrupt USB1 protein function. ClinVar contains an entry for this variant (Variation ID: 1381298). This variant has not been reported in the literature in individuals affected with USB1-related conditions. This variant is present in population databases (rs762585706, gnomAD 0.0009%).